The following is an entry in ClinVar:

NM_005228.5(EGFR):c.2848+3G>A

Gene: EGFR (epidermal growth factor receptor; plus strand). Cytogenetic location: 7p11.2.
Variant type: single nucleotide variant.
Coding change: c.2848+3G>A on transcript NM_005228.5 (MANE Select); 3 bases into the intron after coding-DNA position 2848, G replaced by A.
Molecular consequence: intron variant.
Genome position (GRCh38, 1-based): chr7:55,198,866, G>A. VCF-style: chr7-55198866-G-A. GRCh37 (hg19) VCF-style: chr7-55266559-G-A.
Other names: c.2713+3G>A (NM_001346899.2, NM_001346897.2); c.2047+3G>A (NM_001346941.2); c.2848+3G>A (NM_001346898.2); c.2689+3G>A (NM_001346900.2).
Identifiers: ClinVar variation 1034577 (VCV001034577.6), dbSNP rs1787731661, ClinGen allele CA1708927329.

ClinVar aggregate classification (germline): Uncertain significance (1 of 4 stars; one submission).

Conditions:
EGFR-related lung cancer (EGFR). Identifiers: MedGen CN130014.

Submission:

Labcorp Genetics (formerly Invitae), Labcorp
Classification: Uncertain significance for EGFR-related lung cancer. Last evaluated: 2020-03-06. Review status: criteria provided, single submitter. Criteria: Invitae Variant Classification Sherloc (09022015). Collection method: clinical testing. Allele origin: germline.
Comment: This variant is not present in population databases (ExAC no frequency). In summary, the available evidence is currently insufficient to determine the role of this variant in disease. Therefore, it has been classified as a Variant of Uncertain Significance. This variant has not been reported in the literature in individuals with EGFR-related conditions. This sequence change falls in intron 23 of the EGFR gene. It does not directly change the encoded amino acid sequence of the EGFR protein, but it affects a nucleotide within the consensus splice site of the intron. Nucleotide substitutions within the consensus splice site are a relatively common cause of aberrant splicing (PMID: 17576681, 9536098). Algorithms developed to predict the effect of sequence changes on RNA splicing suggest that this variant is not likely to affect RNA splicing, but this prediction has not been confirmed by published transcriptional studies.

Literature cited by the submitters: PubMed 17576681; PubMed 9536098.